The following is an entry in ClinVar:

NM_198576.4(AGRN):c.4988C>T (p.Ala1663Val)

Gene: AGRN (agrin; plus strand). Cytogenetic location: 1p36.33.
Variant type: single nucleotide variant.
Coding change: c.4988C>T on transcript NM_198576.4 (MANE Select); coding-DNA position 4988, C replaced by T.
Protein change: p.Ala1663Val; replaces alanine 1663 with valine.
Molecular consequence: missense variant.
Genome position (GRCh38, 1-based): chr1:1,050,438, C>T. VCF-style: chr1-1050438-C-T. GRCh37 (hg19) VCF-style: chr1-985818-C-T.
Other names: c.4988C>T, p.Ala1663Val (NM_001305275.2); c.4673C>T, p.Ala1558Val (NM_001364727.2); short protein forms A1558V, A1663V.
Identifiers: ClinVar variation 1388860 (VCV001388860.8), dbSNP rs753922672, ClinGen allele CA509816.

ClinVar aggregate classification (germline): Uncertain significance (1 of 4 stars; one submission).

Conditions:
Congenital myasthenic syndrome 8. Also called: MYASTHENIC SYNDROME, CONGENITAL, DUE TO AGRIN DEFICIENCY; Myasthenic syndrome, congenital, 8, with pre- and postsynaptic defects. Identifiers: Orphanet 590, MedGen C3808739, MONDO:0014052, OMIM 615120.

Allele frequency attached by ClinVar (database versions not stated): gnomAD exomes below 0.00001 and 0.00001; gnomAD 0.00001; ExAC 0.00002; TOPMed 0.00002.
gnomAD v4.1: 9 of 1,612,748 alleles (0.00056%); highest among the groups gnomAD compares: African/African-American, 0.0053%; no homozygotes.

Submission:

Labcorp Genetics (formerly Invitae), Labcorp
Classification: Uncertain significance for Congenital myasthenic syndrome 8. Last evaluated: 2024-08-12. Review status: criteria provided, single submitter. Criteria: Invitae Variant Classification Sherloc (09022015). Collection method: clinical testing. Allele origin: germline.
Comment: This sequence change replaces alanine, which is neutral and non-polar, with valine, which is neutral and non-polar, at codon 1663 of the AGRN protein (p.Ala1663Val). This variant is present in population databases (rs753922672, gnomAD 0.002%). This variant has not been reported in the literature in individuals affected with AGRN-related conditions. ClinVar contains an entry for this variant (Variation ID: 1388860). An algorithm developed to predict the effect of missense changes on protein structure and function outputs the following: PolyPhen-2: "Benign". The valine amino acid residue is found in multiple mammalian species, which suggests that this missense change does not adversely affect protein function. In summary, the available evidence is currently insufficient to determine the role of this variant in disease. Therefore, it has been classified as a Variant of Uncertain Significance.